The following is an entry in ClinVar:

ClinVar aggregate classification (germline): Uncertain significance (1 of 4 stars; one submission).

Conditions:
Duchenne muscular dystrophy (DMD). Also called: MUSCULAR DYSTROPHY, PSEUDOHYPERTROPHIC PROGRESSIVE, DUCHENNE TYPE; Duchenne Muscular Dystrophy (DMD). Identifiers: Orphanet 98896, MedGen C0013264, MONDO:0010679, OMIM 310200.

Submission:

Labcorp Genetics (formerly Invitae), Labcorp
Classification: Uncertain significance for Duchenne muscular dystrophy. Last evaluated: 2023-07-12. Review status: criteria provided, single submitter. Criteria: Invitae Variant Classification Sherloc (09022015). Collection method: clinical testing. Allele origin: germline.
Comment: This sequence change replaces leucine, which is neutral and non-polar, with arginine, which is basic and polar, at codon 907 of the DMD protein (p.Leu907Arg). This variant is not present in population databases (gnomAD no frequency). This variant has not been reported in the literature in individuals affected with DMD-related conditions. Advanced modeling of protein sequence and biophysical properties (such as structural, functional, and spatial information, amino acid conservation, physicochemical variation, residue mobility, and thermodynamic stability) performed at Invitae indicates that this missense variant is not expected to disrupt DMD protein function. In summary, the available evidence is currently insufficient to determine the role of this variant in disease. Therefore, it has been classified as a Variant of Uncertain Significance.

NM_004006.3(DMD):c.2720T>G (p.Leu907Arg)

Gene: DMD (dystrophin; minus strand). Cytogenetic location: Xp21.1.
Variant type: single nucleotide variant.
Coding change: c.2720T>G on transcript NM_004006.3 (MANE Select); coding-DNA position 2720, T replaced by G.
Protein change: p.Leu907Arg; replaces leucine 907 with arginine.
Molecular consequence: missense variant.
Genome position (GRCh38, 1-based): chrX:32,485,002, A>C on the plus strand (T>G on the coding strand, the complement: DMD is on the minus strand). VCF-style: chrX-32485002-A-C. GRCh37 (hg19) VCF-style: chrX-32503119-A-C.
Other names: c.2696T>G, p.Leu899Arg (NM_000109.4); c.2708T>G, p.Leu903Arg (NM_004009.3); c.2351T>G, p.Leu784Arg (NM_004010.3); short protein forms L784R, L899R, L907R, L903R.
Identifiers: ClinVar variation 2831985 (VCV002831985.1), dbSNP rs1060502654, ClinGen allele CA412670809.
Genomic context (GRCh38, chrX:32,485,002, plus strand): 5'-GCCTGCACATCAGAAAAGACTTGCTTAAAATGATTTGTAAAGGCCACAAAGTCTGCATCC[A>C]GGAACATGGGTCCTTGTCCTTTCTCTTTCAGGGCTATGCTTTGAATTTTTAATCGTTCAA-3'
Protein context (NP_003997.2, residues 897-917): LKEKGQGPMF[Leu907Arg]DADFVAFTNH